The following is an entry in ClinVar:

NM_014874.4(MFN2):c.700A>T (p.Met234Leu)

Gene: MFN2 (mitofusin 2; plus strand). Cytogenetic location: 1p36.22.
Variant type: single nucleotide variant.
Coding change: c.700A>T on transcript NM_014874.4 (MANE Select); coding-DNA position 700, A replaced by T.
Protein change: p.Met234Leu; replaces methionine 234 with leucine.
Molecular consequence: missense variant.
Genome position (GRCh38, 1-based): chr1:11,998,870, A>T. VCF-style: chr1-11998870-A-T. GRCh37 (hg19) VCF-style: chr1-12058927-A-T.
Other names: c.700A>T, p.Met234Leu (NM_001127660.2); short protein forms M234L.
Identifiers: ClinVar variation 2825912 (VCV002825912.3), dbSNP rs2100831955, ClinGen allele CA338438585.

ClinVar aggregate classification (germline): Likely pathogenic (1 of 4 stars; one submission).

Conditions:
Charcot-Marie-Tooth disease type 2. Also called: Charcot-Marie-Tooth type 2. Identifiers: Orphanet 64746, MedGen C0270914, MONDO:0018993.

Submission:

Labcorp Genetics (formerly Invitae), Labcorp
Classification: Likely pathogenic for Charcot-Marie-Tooth disease type 2. Last evaluated: 2023-04-03. Review status: criteria provided, single submitter. Criteria: Invitae Variant Classification Sherloc (09022015). Collection method: clinical testing. Allele origin: germline.
Comment: This variant disrupts the p.Met234 amino acid residue in MFN2. Other variant(s) that disrupt this residue have been determined to be pathogenic (Invitae). This suggests that this residue is clinically significant, and that variants that disrupt this residue are likely to be disease-causing. This sequence change replaces methionine, which is neutral and non-polar, with leucine, which is neutral and non-polar, at codon 234 of the MFN2 protein (p.Met234Leu). This variant is not present in population databases (gnomAD no frequency). This variant has not been reported in the literature in individuals affected with MFN2-related conditions. Advanced modeling of protein sequence and biophysical properties (such as structural, functional, and spatial information, amino acid conservation, physicochemical variation, residue mobility, and thermodynamic stability) performed at Invitae indicates that this missense variant is expected to disrupt MFN2 protein function. In summary, the currently available evidence indicates that the variant is pathogenic, but additional data are needed to prove that conclusively. Therefore, this variant has been classified as Likely Pathogenic.